The following is an entry in ClinVar:

NM_000426.4(LAMA2):c.5614G>T (p.Asp1872Tyr)

Gene: LAMA2 (laminin subunit alpha 2; plus strand). Cytogenetic location: 6q22.33.
Variant type: single nucleotide variant.
Coding change: c.5614G>T on transcript NM_000426.4 (MANE Select); coding-DNA position 5614, G replaced by T.
Protein change: p.Asp1872Tyr; replaces aspartic acid 1872 with tyrosine.
Molecular consequence: missense variant.
Genome position (GRCh38, 1-based): chr6:129,402,375, G>T. VCF-style: chr6-129402375-G-T. GRCh37 (hg19) VCF-style: chr6-129723520-G-T.
Other names: c.5614G>T, p.Asp1872Tyr (NM_001079823.2); short protein forms D1872Y.
Identifiers: ClinVar variation 2976108 (VCV002976108.1), dbSNP rs768525220, ClinGen allele CA3993937.

ClinVar aggregate classification (germline): Uncertain significance (1 of 4 stars; one submission).

Conditions:
LAMA2-related muscular dystrophy (LAMA2-RD). Also called: Laminin alpha 2-related dystrophy. Identifiers: MedGen C5679788, MONDO:0100228.

Allele frequency attached by ClinVar (database versions not stated): TOPMed below 0.00001; gnomAD 0.00001; ExAC 0.00002; gnomAD exomes 0.00002.
gnomAD v4.1: 26 of 1,613,898 alleles (0.0016%); highest among the groups gnomAD compares: South Asian, 0.026%; no homozygotes.

Submission:

Labcorp Genetics (formerly Invitae), Labcorp
Classification: Uncertain significance for LAMA2-related muscular dystrophy. Last evaluated: 2023-12-14. Review status: criteria provided, single submitter. Criteria: Invitae Variant Classification Sherloc (09022015). Collection method: clinical testing. Allele origin: germline.
Comment: This sequence change replaces aspartic acid, which is acidic and polar, with tyrosine, which is neutral and polar, at codon 1872 of the LAMA2 protein (p.Asp1872Tyr). This variant is present in population databases (rs768525220, gnomAD 0.02%). This variant has not been reported in the literature in individuals affected with LAMA2-related conditions. Advanced modeling of protein sequence and biophysical properties (such as structural, functional, and spatial information, amino acid conservation, physicochemical variation, residue mobility, and thermodynamic stability) performed at Invitae indicates that this missense variant is not expected to disrupt LAMA2 protein function with a negative predictive value of 95%. In summary, the available evidence is currently insufficient to determine the role of this variant in disease. Therefore, it has been classified as a Variant of Uncertain Significance.